The following is an entry in ClinVar:

NM_182961.4(SYNE1):c.8427C>A (p.Phe2809Leu)

Gene: SYNE1 (spectrin repeat containing nuclear envelope protein 1; minus strand). Cytogenetic location: 6q25.2.
Variant type: single nucleotide variant.
Coding change: c.8427C>A on transcript NM_182961.4 (MANE Select); coding-DNA position 8427, C replaced by A.
Protein change: p.Phe2809Leu; replaces phenylalanine 2809 with leucine.
Molecular consequence: missense variant.
Genome position (GRCh38, 1-based): chr6:152,387,132, G>T on the plus strand (C>A on the coding strand, the complement: SYNE1 is on the minus strand). VCF-style: chr6-152387132-G-T. GRCh37 (hg19) VCF-style: chr6-152708267-G-T.
Other names: c.8448C>A, p.Phe2816Leu (NM_033071.5); short protein forms F2809L, F2816L.
Identifiers: ClinVar variation 4783448 (VCV004783448.1).

ClinVar aggregate classification (germline): Uncertain significance (1 of 4 stars; one submission).

Conditions:
Autosomal recessive ataxia, Beauce type. Also called: SYNE1-Related Autosomal Recessive Cerebellar Ataxia; Spinocerebellar ataxia, autosomal recessive 8; ATAXIA, RECESSIVE, OF BEAUCE; SYNE1 Deficiency. Identifiers: Orphanet 88644, MedGen C1853116, MONDO:0012549, OMIM 610743.
Emery-Dreifuss muscular dystrophy 4, autosomal dominant (EDMD4). Also called: EMERY-DREIFUSS MUSCULAR DYSTROPHY 4 WITH VARIABLE FEATURES. Identifiers: Orphanet 261, MedGen C2751807, MONDO:0013071, OMIM 612998.

gnomAD v4.1: 4 of 1,614,166 alleles (0.00025%); highest among the groups gnomAD compares: Non-Finnish European, 0.00034%; no homozygotes.

Submission:

Labcorp Genetics (formerly Invitae), Labcorp
Classification: Uncertain significance for Emery-Dreifuss muscular dystrophy 4, autosomal dominant; Autosomal recessive ataxia, Beauce type. Last evaluated: 2025-04-02. Review status: criteria provided, single submitter. Criteria: Invitae Variant Classification Sherloc (09022015). Collection method: clinical testing. Allele origin: germline.
Comment: This sequence change replaces phenylalanine, which is neutral and non-polar, with leucine, which is neutral and non-polar, at codon 2816 of the SYNE1 protein (p.Phe2816Leu). This variant is not present in population databases (gnomAD no frequency). This variant has not been reported in the literature in individuals affected with SYNE1-related conditions. An algorithm developed to predict the effect of missense changes on protein structure and function outputs the following: PolyPhen-2: "Benign". The leucine amino acid residue is found in multiple mammalian species, which suggests that this missense change does not adversely affect protein function. In summary, the available evidence is currently insufficient to determine the role of this variant in disease. Therefore, it has been classified as a Variant of Uncertain Significance.